The following is an entry in ClinVar:

ClinVar aggregate classification (germline): Uncertain significance (1 of 4 stars; one submission).

Conditions:
Familial adenomatous polyposis 1 (FAP1). Also called: FAMILIAL ADENOMATOUS POLYPOSIS 1, ATTENUATED; POLYPOSIS, ADENOMATOUS INTESTINAL. Identifiers: MedGen C2713442, MONDO:0021056, OMIM 175100. Disease mechanism: loss of function.

Submission:

Labcorp Genetics (formerly Invitae), Labcorp
Classification: Uncertain significance for Familial adenomatous polyposis 1. Last evaluated: 2020-01-14. Review status: criteria provided, single submitter. Criteria: Invitae Variant Classification Sherloc (09022015). Collection method: clinical testing. Allele origin: germline.
Comment: This sequence change replaces alanine with serine at codon 1225 of the APC protein (p.Ala1225Ser). The alanine residue is moderately conserved and there is a moderate physicochemical difference between alanine and serine. This variant is not present in population databases (ExAC no frequency). This variant has not been reported in the literature in individuals with APC-related conditions. Algorithms developed to predict the effect of missense changes on protein structure and function output the following: SIFT: "Tolerated"; PolyPhen-2: "Benign"; Align-GVGD: "Class C0". The serine amino acid residue is found in multiple mammalian species, suggesting that this missense change does not adversely affect protein function. These predictions have not been confirmed by published functional studies and their clinical significance is uncertain. In summary, the available evidence is currently insufficient to determine the role of this variant in disease. Therefore, it has been classified as a Variant of Uncertain Significance.

NM_000038.6(APC):c.3673G>T (p.Ala1225Ser)

Gene: APC (APC regulator of Wnt signaling pathway; plus strand). Cytogenetic location: 5q22.2.
Variant type: single nucleotide variant.
Coding change: c.3673G>T on transcript NM_000038.6 (MANE Select); coding-DNA position 3673, G replaced by T.
Protein change: p.Ala1225Ser; replaces alanine 1225 with serine.
Molecular consequence: missense variant.
Genome position (GRCh38, 1-based): chr5:112,839,267, G>T. VCF-style: chr5-112839267-G-T. GRCh37 (hg19) VCF-style: chr5-112174964-G-T.
Other names: c.3673G>T, p.Ala1225Ser (NM_001127510.3, NM_001354895.2); c.3619G>T, p.Ala1207Ser (NM_001127511.3); c.3727G>T, p.Ala1243Ser (NM_001354896.2); c.3703G>T, p.Ala1235Ser (NM_001354897.2); c.3598G>T, p.Ala1200Ser (NM_001354898.2); c.3589G>T, p.Ala1197Ser (NM_001354899.2); c.3550G>T, p.Ala1184Ser (NM_001354900.2); c.3496G>T, p.Ala1166Ser (NM_001354901.2); and 5 more; short protein forms A1065S, A1099S, A1124S, A1134S, A1166S, A1184S, A1197S, A1200S.
Identifiers: ClinVar variation 998976 (VCV000998976.48), dbSNP rs776079894, ClinGen allele CA16029395.